The following is an entry in ClinVar:

NM_001283009.2(RTEL1):c.970C>T (p.Arg324Cys)

Genes: RTEL1 (regulator of telomere elongation helicase 1; plus strand), RTEL1-TNFRSF6B (RTEL1-TNFRSF6B readthrough (NMD candidate); plus strand). Cytogenetic location: 20q13.33.
Variant type: single nucleotide variant.
Coding change: c.970C>T on transcript NM_001283009.2 (MANE Select); coding-DNA position 970, C replaced by T.
Protein change: p.Arg324Cys; replaces arginine 324 with cysteine.
Molecular consequence: missense variant. On other transcripts: non-coding transcript variant (1).
Genome position (GRCh38, 1-based): chr20:63,678,279, C>T. VCF-style: chr20-63678279-C-T. GRCh37 (hg19) VCF-style: chr20-62309632-C-T.
Other names: c.301C>T, p.Arg101Cys (NM_001283010.1); c.970C>T, p.Arg324Cys (NM_016434.4); c.1042C>T, p.Arg348Cys (NM_032957.5); short protein forms R324C, R348C, R101C.
Identifiers: ClinVar variation 1370422 (VCV001370422.8), dbSNP rs771452777, ClinGen allele CA9964546.

ClinVar aggregate classification (germline): Uncertain significance. Review status: criteria provided, multiple submitters, no conflicts (2 of 4 stars). 3 submissions from 3 submitters: Uncertain significance (3). Last evaluated 2025-08-15.

Conditions:
Dyskeratosis congenita, autosomal recessive 5 (DKCB5). Identifiers: MedGen C3554656, MONDO:0014076, OMIM 615190.
Pulmonary fibrosis and/or bone marrow failure, Telomere-related, 3. Also called: PULMONARY FIBROSIS AND/OR BONE MARROW FAILURE SYNDROME, TELOMERE-RELATED, 3. Identifiers: Orphanet 2032, MedGen C4225346, MONDO:0014613, OMIM 616373.

Allele frequency attached by ClinVar (database versions not stated): gnomAD 0.00002; TOPMed 0.00003; gnomAD exomes 0.00001 and 0.00002; ExAC 0.00003.
gnomAD v4.1: 11 of 1,612,134 alleles (0.00068%); highest among the groups gnomAD compares: African/African-American, 0.0067%; no homozygotes.

Submissions (3):

Labcorp Genetics (formerly Invitae), Labcorp
Classification: Uncertain significance for Dyskeratosis congenita, autosomal recessive 5; Pulmonary fibrosis and/or bone marrow failure, Telomere-related, 3. Last evaluated: 2025-08-15. Review status: criteria provided, single submitter. Criteria: Invitae Variant Classification Sherloc (09022015). Collection method: clinical testing. Allele origin: germline.
Comment: This sequence change replaces arginine, which is basic and polar, with cysteine, which is neutral and slightly polar, at codon 324 of the RTEL1 protein (p.Arg324Cys). This variant is present in population databases (rs771452777, gnomAD 0.004%). This variant has not been reported in the literature in individuals affected with RTEL1-related conditions. ClinVar contains an entry for this variant (Variation ID: 1370422). An algorithm developed to predict the effect of missense changes on protein structure and function (PolyPhen-2) suggests that this variant is likely to be tolerated. In summary, the available evidence is currently insufficient to determine the role of this variant in disease. Therefore, it has been classified as a Variant of Uncertain Significance.

Fulgent Genetics
Classification: Uncertain significance for Dyskeratosis congenita, autosomal recessive 5; Pulmonary fibrosis and/or bone marrow failure, Telomere-related, 3. Last evaluated: 2021-12-08. Review status: criteria provided, single submitter. Criteria: ACMG Guidelines, 2015. Collection method: clinical testing. Allele origin: unknown.

Revvity Omics, Revvity
Classification: Uncertain significance. Last evaluated: 2021-07-09. Review status: criteria provided, single submitter. Criteria: ACMG Guidelines, 2015. Collection method: clinical testing. Allele origin: germline.